The following is an entry in ClinVar:

ClinVar aggregate classification (germline): Benign/Likely benign. Review status: criteria provided, multiple submitters, no conflicts (2 of 4 stars). 6 submissions from 6 submitters: Benign (1); Likely benign (5). Last evaluated 2025-11-05.

Conditions:
Cardiovascular phenotype. Identifiers: MedGen CN230736.
Spinocerebellar ataxia type 19/22 (SCA19). Also called: SPINOCEREBELLAR ATAXIA 19; SPINOCEREBELLAR ATAXIA 22. Identifiers: Orphanet 98772, MedGen C1846367, MONDO:0011819, OMIM 607346.

Allele frequency attached by ClinVar (database versions not stated): TOPMed 0.00021; gnomAD exomes 0.00024 and 0.00026; gnomAD 0.00025 and 0.00027; ExAC 0.00027; ESP Exome Variant Server 0.00038.
gnomAD v4.1: 374 of 1,614,054 alleles (0.023%); highest among the groups gnomAD compares: Non-Finnish European, 0.029%; 1 homozygote.

Submissions (6):

Labcorp Genetics (formerly Invitae), Labcorp
Classification: Likely benign for Spinocerebellar ataxia type 19/22. Last evaluated: 2025-11-05. Review status: criteria provided, single submitter. Criteria: Invitae Variant Classification Sherloc (09022015). Collection method: clinical testing. Allele origin: germline.

CeGaT Center for Human Genetics Tuebingen
Classification: Likely benign. Last evaluated: 2024-12-01. Review status: criteria provided, single submitter. Criteria: CeGaT Center For Human Genetics Tuebingen Variant Classification Criteria Version 2. Collection method: clinical testing. Allele origin: germline. Affected: yes. Observed: 5 variant alleles.
Comment: KCND3: BP4, BP7

Blueprint Genetics
Classification: Likely benign. Last evaluated: 2024-11-14. Review status: criteria provided, single submitter. Criteria: ACMG Guidelines, 2015. Collection method: clinical testing. Allele origin: germline.

GeneDx
Classification: Likely benign. Last evaluated: 2019-06-17. Review status: criteria provided, single submitter. Criteria: GeneDx Variant Classification Process June 2021. Collection method: clinical testing. Allele origin: germline. Affected: yes.

Athena Diagnostics
Classification: Benign. Last evaluated: 2018-09-25. Review status: criteria provided, single submitter. Criteria: Athena Diagnostics Criteria. Collection method: clinical testing. Allele origin: germline.

Ambry Genetics
Classification: Likely benign for Cardiovascular phenotype. Last evaluated: 2016-03-31. Review status: criteria provided, single submitter. Criteria: Ambry Variant Classification Scheme 2023. Collection method: clinical testing. Allele origin: germline.

NM_001378969.1(KCND3):c.1959C>T (p.Ser653=)

Gene: KCND3 (potassium voltage-gated channel subfamily D member 3; minus strand). Cytogenetic location: 1p13.2.
Variant type: single nucleotide variant.
Coding change: c.1959C>T on transcript NM_001378969.1 (MANE Select); coding-DNA position 1959, C replaced by T.
Protein change: p.Ser653=; no amino-acid change (serine 653 retained).
Molecular consequence: synonymous variant.
Genome position (GRCh38, 1-based): chr1:111,776,086, G>A on the plus strand (C>T on the coding strand, the complement: KCND3 is on the minus strand). VCF-style: chr1-111776086-G-A. GRCh37 (hg19) VCF-style: chr1-112318708-G-A.
Other names: c.1902C>T, p.Ser634= (NM_001378970.1, NM_172198.3); c.1959C>T, p.Ser653= (NM_004980.5).
Identifiers: ClinVar variation 508338 (VCV000508338.53), dbSNP rs147087785, ClinGen allele CA1007307.